The following is an entry in ClinVar:

ClinVar aggregate classification (germline): Uncertain significance (1 of 4 stars; one submission).

Submission:

Labcorp Genetics (formerly Invitae), Labcorp
Classification: Uncertain significance. Last evaluated: 2024-11-27. Review status: criteria provided, single submitter. Criteria: Invitae Variant Classification Sherloc (09022015). Collection method: clinical testing. Allele origin: germline.
Comment: This sequence change replaces aspartic acid, which is acidic and polar, with histidine, which is basic and polar, at codon 395 of the C3 protein (p.Asp395His). Information on the frequency of this variant in the gnomAD database is not available, as this variant may be reported differently in the database. This variant has not been reported in the literature in individuals affected with C3-related conditions. Experimental studies and prediction algorithms are not available or were not evaluated, and the functional significance of this variant is currently unknown. In summary, the available evidence is currently insufficient to determine the role of this variant in disease. Therefore, it has been classified as a Variant of Uncertain Significance.

NM_000064.4(C3):c.1182_1183delinsAC (p.Asp395His)

Gene: C3 (complement C3; minus strand). Cytogenetic location: 19p13.3.
Variant type: Indel.
Coding change: c.1182_1183delinsAC on transcript NM_000064.4 (MANE Select); coding-DNA positions 1182 to 1183, GG replaced by AC.
Protein change: p.Asp395His; replaces aspartic acid 395 with histidine.
Molecular consequence: missense variant.
Genome position (GRCh38, 1-based): chr19:6,712,343-6,712,344, CC replaced by GT on the plus strand (GG replaced by AC on the coding strand, the reverse complement: C3 is on the minus strand). VCF-style: chr19-6712343-CC-GT. GRCh37 (hg19) VCF-style: chr19-6712354-CC-GT.
Other names: short protein forms D395H.
Identifiers: ClinVar variation 3723426 (VCV003723426.2).